The following is an entry in ClinVar:

ClinVar aggregate classification (germline): Uncertain significance. Review status: criteria provided, single submitter (1 of 4 stars). 2 submissions from 2 submitters: Uncertain significance (1). 1 of the submissions does not count toward it. Last evaluated 2022-02-08.

Conditions:
Glycine encephalopathy. Also called: Non-ketotic hyperglycinemia; Nonketotic hyperglycinemia. Identifiers: Orphanet 407, MedGen C0751748, MONDO:0011612, HP:0008288.

Allele frequency attached by ClinVar (database versions not stated): TOPMed 0.00003; gnomAD 0.00005.
gnomAD v4.1: 58 of 1,610,390 alleles (0.0036%); highest among the groups gnomAD compares: Non-Finnish European, 0.0048%; no homozygotes.

Submissions (2):

Labcorp Genetics (formerly Invitae), Labcorp
Classification: Uncertain significance for Glycine encephalopathy. Last evaluated: 2022-02-08. Review status: criteria provided, single submitter. Criteria: Invitae Variant Classification Sherloc (09022015). Collection method: clinical testing. Allele origin: germline.
Comment: This sequence change affects codon 642 of the GLDC mRNA. It is a 'silent' change, meaning that it does not change the encoded amino acid sequence of the GLDC protein. This variant also falls at the last nucleotide of exon 16, which is part of the consensus splice site for this exon. This variant is present in population databases (rs772101467, gnomAD 0.01%). This variant has not been reported in the literature in individuals affected with GLDC-related conditions. ClinVar contains an entry for this variant (Variation ID: 641950). Variants that disrupt the consensus splice site are a relatively common cause of aberrant splicing (PMID: 17576681, 9536098). Algorithms developed to predict the effect of sequence changes on RNA splicing suggest that this variant may disrupt the consensus splice site. In summary, the available evidence is currently insufficient to determine the role of this variant in disease. Therefore, it has been classified as a Variant of Uncertain Significance.

Natera, Inc.
Classification: Uncertain significance for Non-ketotic hyperglycinemia. Last evaluated: 2020-01-24. Review status: no assertion criteria provided. Collection method: clinical testing. Allele origin: germline. Not counted in ClinVar's aggregate classification.

Literature cited by the submitters: PubMed 17576681 (cited by Labcorp Genetics (formerly Invitae), Labcorp); PubMed 9536098 (cited by Labcorp Genetics (formerly Invitae), Labcorp).

NM_000170.3(GLDC):c.1926G>A (p.Thr642=)

Gene: GLDC (glycine decarboxylase; minus strand). Cytogenetic location: 9p24.1.
Variant type: single nucleotide variant.
Coding change: c.1926G>A on transcript NM_000170.3 (MANE Select); coding-DNA position 1926, G replaced by A.
Protein change: p.Thr642=; no amino-acid change (threonine 642 retained).
Molecular consequence: synonymous variant.
Genome position (GRCh38, 1-based): chr9:6,565,354, C>T on the plus strand (G>A on the coding strand, the complement: GLDC is on the minus strand). VCF-style: chr9-6565354-C-T. GRCh37 (hg19) VCF-style: chr9-6565354-C-T.
Identifiers: ClinVar variation 641950 (VCV000641950.4), dbSNP rs772101467, ClinGen allele CA4980481.